The following is an entry in ClinVar:

NM_000540.3(RYR1):c.2608C>T (p.Arg870Trp)

Gene: RYR1 (ryanodine receptor 1; plus strand). Cytogenetic location: 19q13.2.
Variant type: single nucleotide variant.
Coding change: c.2608C>T on transcript NM_000540.3 (MANE Select); coding-DNA position 2608, C replaced by T.
Protein change: p.Arg870Trp; replaces arginine 870 with tryptophan.
Molecular consequence: missense variant.
Genome position (GRCh38, 1-based): chr19:38,463,453, C>T. VCF-style: chr19-38463453-C-T. GRCh37 (hg19) VCF-style: chr19-38954093-C-T.
Other names: c.2608C>T, p.Arg870Trp (NM_001042723.2); short protein forms R870W.
Identifiers: ClinVar variation 1445779 (VCV001445779.7), dbSNP rs573876812, ClinGen allele CA063602.

ClinVar aggregate classification (germline): Uncertain significance. Review status: criteria provided, multiple submitters, no conflicts (2 of 4 stars). 4 submissions from 4 submitters: Uncertain significance (4). Last evaluated 2024-08-05.

Conditions:
Congenital multicore myopathy with external ophthalmoplegia (CMYO1B). Also called: MULTICORE MYOPATHY; Congenital myopathy 1B, autosomal recessive; Minicore myopathy; MULTIMINICORE DISEASE WITH EXTERNAL OPHTHALMOPLEGIA; Minicore myopathy with external ophthalmoplegia. Identifiers: Orphanet 598, Orphanet 98905, MedGen C1850674, MONDO:0009712, OMIM 255320, HP:0003789.
Malignant hyperthermia, susceptibility to, 1 (MHS1). Also called: RYR1-Related Malignant Hyperthermia Susceptibility; Malignant hyperthermia suceptibility 1; Anesthesia related hyperthermia; Malignant hyperpyrexia; Fulminating hyperpyrexia; Pharmacogenic myopathy. Identifiers: Orphanet 423, MedGen C2930980, MONDO:0007783, OMIM 145600.
Central core myopathy (CMYO1A). Also called: Central core disease; Myopathy, central fibrillar; CONGENITAL MYOPATHY 1A, AUTOSOMAL DOMINANT, WITH SUSCEPTIBILITY TO MALIGNANT HYPERTHERMIA. Identifiers: Orphanet 597, MedGen C5830701, MONDO:0007294, OMIM 117000.
King Denborough syndrome (KDS). Identifiers: MedGen C1840365, MONDO:0020485, OMIM 619542.
RYR1-related disorder. Also called: RYR1-related condition; RYR1-related disorders. Identifiers: MedGen CN239331.

Allele frequency attached by ClinVar (database versions not stated): gnomAD 0.00001; gnomAD exomes 0.00001; TOPMed 0.00003.
gnomAD v4.1: 21 of 1,613,814 alleles (0.0013%); highest among the groups gnomAD compares: Middle Eastern, 0.016%; no homozygotes.

Submissions (4):

All of Us Research Program, National Institutes of Health
Classification: Uncertain significance for Malignant hyperthermia, susceptibility to, 1. Last evaluated: 2024-08-05. Review status: criteria provided, single submitter. Criteria: ACMG Guidelines, 2015. Collection method: clinical testing. Allele origin: germline. Inheritance: Autosomal dominant inheritance. Observed: 7 variant alleles, 7 heterozygotes.
Comment: This missense variant replaces arginine with tryptophan at codon 870 of the RYR1 protein. Computational prediction suggests that this variant may have deleterious impact on protein structure and function (internally defined REVEL score threshold >= 0.7, PMID: 27666373). To our knowledge, functional studies have not been reported for this variant. This variant has not been reported in individuals affected with RYR1-related disorders in the literature. This variant has been identified in 3/251016 chromosomes in the general population by the Genome Aggregation Database (gnomAD). The available evidence is insufficient to determine the role of this variant in disease conclusively. Therefore, this variant is classified as a Variant of Uncertain Significance.

This study involves interpretation of variants in research participants for the purpose of population health screening. Participant phenotype was not available at the time of variant classification. Additional details can be found in publication PMID: 35346344, PMCID: PMC8962531

Color Diagnostics, LLC DBA Color Health
Classification: Uncertain significance for Malignant hyperthermia, susceptibility to, 1. Last evaluated: 2023-11-08. Review status: criteria provided, single submitter. Criteria: ACMG Guidelines, 2015. Collection method: clinical testing. Allele origin: germline.
Comment: This missense variant replaces arginine with tryptophan at codon 870 of the RYR1 protein. Computational prediction tool indicates that this variant may have an uncertain impact on protein structure and function. To our knowledge, functional studies have not been reported for this variant. This variant has not been reported in individuals affected with RYR1-related disorders in the literature. This variant has been identified in 3/251016 chromosomes in the general population by the Genome Aggregation Database (gnomAD). The available evidence is insufficient to determine the role of this variant in disease conclusively. Therefore, this variant is classified as a Variant of Uncertain Significance.

Department of Pathology and Laboratory Medicine, Sinai Health System
Classification: Uncertain significance for Central core myopathy; Malignant hyperthermia, susceptibility to, 1; Congenital multicore myopathy with external ophthalmoplegia; King Denborough syndrome. Last evaluated: 2022-11-27. Review status: criteria provided, single submitter. Criteria: ACMG Guidelines, 2015. Collection method: research. Allele origin: germline.

Labcorp Genetics (formerly Invitae), Labcorp
Classification: Uncertain significance for RYR1-related disorder. Last evaluated: 2022-07-19. Review status: criteria provided, single submitter. Criteria: Invitae Variant Classification Sherloc (09022015). Collection method: clinical testing. Allele origin: germline.
Comment: This sequence change replaces arginine, which is basic and polar, with tryptophan, which is neutral and slightly polar, at codon 870 of the RYR1 protein (p.Arg870Trp). This variant is present in population databases (rs573876812, gnomAD 0.006%). This variant has not been reported in the literature in individuals affected with RYR1-related conditions. ClinVar contains an entry for this variant (Variation ID: 1445779). Algorithms developed to predict the effect of missense changes on protein structure and function are either unavailable or do not agree on the potential impact of this missense change (SIFT: "Deleterious"; PolyPhen-2: "Probably Damaging"; Align-GVGD: "Class C0"). In summary, the available evidence is currently insufficient to determine the role of this variant in disease. Therefore, it has been classified as a Variant of Uncertain Significance.